The following is an entry in ClinVar:

NM_153676.4(USH1C):c.1831G>T (p.Val611Phe)

Gene: USH1C (USH1 protein network component harmonin; minus strand). Cytogenetic location: 11p15.1.
Variant type: single nucleotide variant.
Coding change: c.1831G>T on transcript NM_153676.4 (MANE Select); coding-DNA position 1831, G replaced by T.
Protein change: p.Val611Phe; replaces valine 611 with phenylalanine.
Molecular consequence: missense variant. On other transcripts: intron variant (2).
Genome position (GRCh38, 1-based): chr11:17,509,538, C>A on the plus strand (G>T on the coding strand, the complement: USH1C is on the minus strand). VCF-style: chr11-17509538-C-A. GRCh37 (hg19) VCF-style: chr11-17531085-C-A.
Other names: c.1228-7558G>T (NM_001297764.2); c.1285-7558G>T (NM_005709.4); short protein forms V611F.
Identifiers: ClinVar variation 763810 (VCV000763810.10), dbSNP rs560416690, ClinGen allele CA5904424.
Genomic context (GRCh38, chr11:17,509,538, plus strand): 5'-TCAGTGCTTCTTCCAGCGCCGAGGGCAGTGGGCGGGTGGGAGTGAGGTCTTGGGTGGGAA[C>A]GGATGGCGGGGGAGGGATGGGAATGGGGGGTGGAGTGCGCTGCACCCATGGAGAGGATGA-3'
Protein context (NP_710142.1, residues 601-621): PPIPIPPPPS[Val611Phe]PTQDLTPTRP

ClinVar aggregate classification (germline): Conflicting classifications of pathogenicity. Review status: criteria provided, conflicting classifications (1 of 4 stars). 2 submissions from 2 submitters: Uncertain significance (1); Likely benign (1). Last evaluated 2022-06-27.

gnomAD v4.1: 5 of 948,876 alleles (0.00053%); highest among the groups gnomAD compares: Admixed American, 0.011%; no homozygotes.

Submissions (2):

GeneDx
Classification: Uncertain significance. Last evaluated: 2022-06-27. Review status: criteria provided, single submitter. Criteria: GeneDx Variant Classification Process June 2021. Collection method: clinical testing. Allele origin: germline. Affected: yes.
Comment: Not observed at significant frequency in large population cohorts (gnomAD); In silico analysis supports that this variant does not alter splicing; Has not been previously published as pathogenic or benign to our knowledge

Labcorp Genetics (formerly Invitae), Labcorp
Classification: Likely benign. Last evaluated: 2018-07-26. Review status: criteria provided, single submitter. Criteria: Invitae Variant Classification Sherloc (09022015). Collection method: clinical testing. Allele origin: germline.